The following is an entry in ClinVar:

ClinVar aggregate classification (germline): Conflicting classifications of pathogenicity. Review status: criteria provided, conflicting classifications (1 of 4 stars). 3 submissions from 3 submitters: Uncertain significance (1); Benign (1); Likely benign (1). Last evaluated 2025-11-23.

Conditions:
GATA binding protein 1 related thrombocytopenia with dyserythropoiesis. Also called: GATA1-Related X-Linked Cytopenia; GATA1-Related Cytopenia. Identifiers: MedGen C1845837, MONDO:0100089.
Diamond-Blackfan anemia. Also called: Blackfan Diamond syndrome; Aregenerative anemia chronic congenital; Red cell aplasia, pure hereditary; Congenital hypoplastic anemia; Aase syndrome. Identifiers: Orphanet 124, MedGen C1260899, MeSH D029503, MONDO:0015253, HP:0004810.

Allele frequency attached by ClinVar (database versions not stated): TOPMed 0.00009.

Submissions (3):

Labcorp Genetics (formerly Invitae), Labcorp
Classification: Benign for GATA binding protein 1 related thrombocytopenia with dyserythropoiesis; Diamond-Blackfan anemia. Last evaluated: 2025-11-23. Review status: criteria provided, single submitter. Criteria: Invitae Variant Classification Sherloc (09022015). Collection method: clinical testing. Allele origin: germline.

Mayo Clinic Laboratories, Mayo Clinic
Classification: Likely benign. Last evaluated: 2025-05-17. Review status: criteria provided, single submitter. Criteria: ACMG Guidelines, 2015. Collection method: clinical testing. Allele origin: germline. Observed: 1 variant allele.
Comment: BP4, BP7, PM2_supporting

Genetic Services Laboratory, University of Chicago
Classification: Uncertain significance. Last evaluated: 2017-11-30. Review status: criteria provided, single submitter. Criteria: ACMG Guidelines, 2015. Collection method: clinical testing. Allele origin: germline. Affected: no.

NM_002049.4(GATA1):c.93G>T (p.Gly31=)

Gene: GATA1 (GATA binding protein 1; plus strand). Cytogenetic location: Xp11.23.
Variant type: single nucleotide variant.
Coding change: c.93G>T on transcript NM_002049.4 (MANE Select); coding-DNA position 93, G replaced by T.
Protein change: p.Gly31=; no amino-acid change (glycine 31 retained).
Molecular consequence: synonymous variant.
Genome position (GRCh38, 1-based): chrX:48,791,202, G>T. VCF-style: chrX-48791202-G-T. GRCh37 (hg19) VCF-style: chrX-48649609-G-T.
Other names: p.Gly31=.
Identifiers: ClinVar variation 697339 (VCV000697339.15), dbSNP rs368193049, ClinGen allele CA10404533.